The following is an entry in ClinVar:

ClinVar aggregate classification (germline): Uncertain significance (1 of 4 stars; one submission).

Submission:

Labcorp Genetics (formerly Invitae), Labcorp
Classification: Uncertain significance. Last evaluated: 2025-07-07. Review status: criteria provided, single submitter. Criteria: Invitae Variant Classification Sherloc (09022015). Collection method: clinical testing. Allele origin: germline.
Comment: This sequence change replaces proline, which is neutral and non-polar, with glutamine, which is neutral and polar, at codon 328 of the SETBP1 protein (p.Pro328Gln). This variant is not present in population databases (gnomAD no frequency). This variant has not been reported in the literature in individuals affected with SETBP1-related conditions. ClinVar contains an entry for this variant (Variation ID: 2111150). Invitae Evidence Modeling of protein sequence and biophysical properties (such as structural, functional, and spatial information, amino acid conservation, physicochemical variation, residue mobility, and thermodynamic stability) indicates that this missense variant is not expected to disrupt SETBP1 protein function with a negative predictive value of 80%. In summary, the available evidence is currently insufficient to determine the role of this variant in disease. Therefore, it has been classified as a Variant of Uncertain Significance.

NM_015559.3(SETBP1):c.983C>A (p.Pro328Gln)

Gene: SETBP1 (SET binding protein 1; plus strand). Cytogenetic location: 18q12.3.
Variant type: single nucleotide variant.
Coding change: c.983C>A on transcript NM_015559.3 (MANE Select); coding-DNA position 983, C replaced by A.
Protein change: p.Pro328Gln; replaces proline 328 with glutamine.
Molecular consequence: missense variant.
Genome position (GRCh38, 1-based): chr18:44,950,323, C>A. VCF-style: chr18-44950323-C-A. GRCh37 (hg19) VCF-style: chr18-42530288-C-A.
Other names: c.983C>A, p.Pro328Gln (NM_001379141.1, NM_001379142.1, NM_001410862.1); short protein forms P328Q.
Identifiers: ClinVar variation 2111150 (VCV002111150.4), dbSNP rs997875397, ClinGen allele CA402317259.